The following is an entry in ClinVar:

ClinVar aggregate classification (germline): Uncertain significance (1 of 4 stars; one submission).

Submission:

Labcorp Genetics (formerly Invitae), Labcorp
Classification: Uncertain significance. Last evaluated: 2024-12-03. Review status: criteria provided, single submitter. Criteria: Invitae Variant Classification Sherloc (09022015). Collection method: clinical testing. Allele origin: germline.
Comment: This sequence change replaces serine, which is neutral and polar, with leucine, which is neutral and non-polar, at codon 87 of the EIF2AK1 protein (p.Ser87Leu). This variant is not present in population databases (gnomAD no frequency). This variant has not been reported in the literature in individuals affected with EIF2AK1-related conditions. An algorithm developed to predict the effect of missense changes on protein structure and function (PolyPhen-2) suggests that this variant is likely to be disruptive. In summary, the available evidence is currently insufficient to determine the role of this variant in disease. Therefore, it has been classified as a Variant of Uncertain Significance.

NM_014413.4(EIF2AK1):c.260C>T (p.Ser87Leu)

Gene: EIF2AK1 (eukaryotic translation initiation factor 2 alpha kinase 1; minus strand). Cytogenetic location: 7p22.1.
Variant type: single nucleotide variant.
Coding change: c.260C>T on transcript NM_014413.4 (MANE Select); coding-DNA position 260, C replaced by T.
Protein change: p.Ser87Leu; replaces serine 87 with leucine.
Molecular consequence: missense variant.
Genome position (GRCh38, 1-based): chr7:6,054,563, G>A on the plus strand (C>T on the coding strand, the complement: EIF2AK1 is on the minus strand). VCF-style: chr7-6054563-G-A. GRCh37 (hg19) VCF-style: chr7-6094194-G-A.
Other names: c.260C>T, p.Ser87Leu (NM_001134335.2); short protein forms S87L.
Identifiers: ClinVar variation 3680979 (VCV003680979.2).
Genomic context (GRCh38, chr7:6,054,563, plus strand): 5'-CTTTACAAGCTTTATTTAGCAAGATTCATTTATTCTTACTTACGCTTAAACACCTGTCTT[G>A]AACGAAGTGGGTTTGGTTCATGCACGTGGCTCAAGTGCTCCAGCAAAGAAACCAGCAAGA-3'
Protein context (NP_055228.2, residues 77-97): SHVHEPNPLR[Ser87Leu]RQVFKLLCQT